The following is an entry in ClinVar:

NM_001037283.2(EIF3B):c.2119del (p.Arg707fs)

Gene: EIF3B (eukaryotic translation initiation factor 3 subunit B; plus strand). Cytogenetic location: 7p22.3.
Variant type: Deletion.
Coding change: c.2119del on transcript NM_001037283.2 (MANE Select); coding-DNA position 2119, one base deleted (C; older notation c.2119delC).
Protein change: p.Arg707fs; shifts the reading frame from arginine 707.
Molecular consequence: frameshift variant.
Genome position (GRCh38, 1-based): chr7:2,377,040, C deleted; the last of 4 consecutive C bases (chr7:2,377,037-2,377,040); deleting any one gives the same sequence. VCF-style (leftmost placement, unchanged base first): chr7-2377036-GC-G. GRCh37 (hg19) VCF-style: chr7-2416671-GC-G.
Other names: c.2119del, p.Arg707fs (NM_003751.4, NM_001362791.2); c.1303del, p.Arg435fs (NM_001362792.2, NM_001362793.2); short protein forms R435fs, R707fs.
Identifiers: ClinVar variation 4529735 (VCV004529735.1).

ClinVar aggregate classification (germline): Uncertain significance (1 of 4 stars; one submission).

Submission:

GeneDx
Classification: Uncertain significance. Last evaluated: 2024-03-29. Review status: criteria provided, single submitter. Criteria: GeneDx Variant Classification Process June 2021. Collection method: clinical testing. Allele origin: germline. Affected: yes.
Comment: Not observed at significant frequency in large population cohorts (gnomAD); Frameshift variant predicted to result in protein truncation or nonsense mediated decay in a gene or region of a gene for which loss of function is not a well-established mechanism of disease; Has not been previously published as pathogenic or benign to our knowledge; Variants in candidate genes are classified as variants of uncertain significance in accordance with ACMG guidelines (PMID: 25741868)